The following is an entry in ClinVar:

NM_019892.6(INPP5E):c.808A>G (p.Ser270Gly)

Gene: INPP5E (inositol polyphosphate-5-phosphatase E; minus strand). Cytogenetic location: 9q34.3.
Variant type: single nucleotide variant.
Coding change: c.808A>G on transcript NM_019892.6 (MANE Select); coding-DNA position 808, A replaced by G.
Protein change: p.Ser270Gly; replaces serine 270 with glycine.
Molecular consequence: missense variant.
Genome position (GRCh38, 1-based): chr9:136,438,612, T>C on the plus strand (A>G on the coding strand, the complement: INPP5E is on the minus strand). VCF-style: chr9-136438612-T-C. GRCh37 (hg19) VCF-style: chr9-139333064-T-C.
Other names: c.808A>G, p.Ser270Gly (NM_001318502.2); short protein forms S270G.
Identifiers: ClinVar variation 972128 (VCV000972128.10), dbSNP rs1564436564, ClinGen allele CA375567538.
Genomic context (GRCh38, chr9:136,438,612, plus strand): 5'-GCCTGAACACTACAACGAAGGCGGCGCGGGCGCTGCACCCGCCAGGCCCTCCCTACCTGC[T>C]GCGGACGTCCTTGCTGCGGATGGGCGCCAGGAGGCTGAAGGAGGATTTGGCCGAGCGAAG-3'
Protein context (NP_063945.2, residues 260-280): LAPIRSKDVR[Ser270Gly]RSYLEGSLLA

ClinVar aggregate classification (germline): Uncertain significance (1 of 4 stars; one submission).

Conditions:
Joubert syndrome. Also called: Familial aplasia of the vermis; CEREBELLOPARENCHYMAL DISORDER IV; JOUBERT-BOLTSHAUSER SYNDROME. Identifiers: Orphanet 475, MedGen C5979921, MONDO:0018772.

Allele frequency attached by ClinVar (database versions not stated): TOPMed below 0.00001.

Submission:

Labcorp Genetics (formerly Invitae), Labcorp
Classification: Uncertain significance for Joubert syndrome. Last evaluated: 2019-10-16. Review status: criteria provided, single submitter. Criteria: Invitae Variant Classification Sherloc (09022015). Collection method: clinical testing. Allele origin: germline.
Comment: In summary, the available evidence is currently insufficient to determine the role of this variant in disease. Therefore, it has been classified as a Variant of Uncertain Significance. Algorithms developed to predict the effect of missense changes on protein structure and function (SIFT, PolyPhen-2, Align-GVGD) all suggest that this variant is likely to be tolerated, but these predictions have not been confirmed by published functional studies and their clinical significance is uncertain. This variant has not been reported in the literature in individuals with INPP5E-related conditions. The frequency data for this variant in the population databases is considered unreliable, as metrics indicate insufficient coverage at this position in the ExAC database. This sequence change replaces serine with glycine at codon 270 of the INPP5E protein (p.Ser270Gly). The serine residue is highly conserved and there is a small physicochemical difference between serine and glycine.